The following is an entry in ClinVar:

NM_031935.3(HMCN1):c.4475A>G (p.Lys1492Arg)

Gene: HMCN1 (hemicentin 1; plus strand). Cytogenetic location: 1q31.1.
Variant type: single nucleotide variant.
Coding change: c.4475A>G on transcript NM_031935.3 (MANE Select); coding-DNA position 4475, A replaced by G.
Protein change: p.Lys1492Arg; replaces lysine 1492 with arginine.
Molecular consequence: missense variant.
Genome position (GRCh38, 1-based): chr1:186,003,844, A>G. VCF-style: chr1-186003844-A-G. GRCh37 (hg19) VCF-style: chr1-185972976-A-G.
Other names: short protein forms K1492R.
Identifiers: ClinVar variation 1937149 (VCV001937149.5), dbSNP rs777783932, ClinGen allele CA1292010.
Genomic context (GRCh38, chr1:186,003,844, plus strand): 5'-CCCTTGAATGCCAGGTCAAAGGCACTCCCTTTCCTGATATTCATTGGTTCAAAGATGGCA[A>G]GTGAGTATCTTTTCTGTATTTGTTGCAAGGTTTCAATGATAGGAAAAAGATGTGAAAAAT-3'
Protein context (NP_114141.2, residues 1482-1502): FPDIHWFKDG[Lys1492Arg]PLFLGDPNVE

ClinVar aggregate classification (germline): Uncertain significance (1 of 4 stars; one submission).

Allele frequency attached by ClinVar (database versions not stated): TOPMed below 0.00001; ExAC 0.00001; gnomAD exomes 0.00002.
gnomAD v4.1: 10 of 1,612,996 alleles (0.00062%); highest among the groups gnomAD compares: Admixed American, 0.0083%; no homozygotes.

Submission:

Labcorp Genetics (formerly Invitae), Labcorp
Classification: Uncertain significance. Last evaluated: 2025-10-15. Review status: criteria provided, single submitter. Criteria: Invitae Variant Classification Sherloc (09022015). Collection method: clinical testing. Allele origin: germline.
Comment: This sequence change replaces lysine, which is basic and polar, with arginine, which is basic and polar, at codon 1492 of the HMCN1 protein (p.Lys1492Arg). This variant is present in population databases (rs777783932, gnomAD 0.01%). This variant has not been reported in the literature in individuals affected with HMCN1-related conditions. ClinVar contains an entry for this variant (Variation ID: 1937149). An algorithm developed to predict the effect of missense changes on protein structure and function (PolyPhen-2) suggests that this variant is likely to be disruptive. In summary, the available evidence is currently insufficient to determine the role of this variant in disease. Therefore, it has been classified as a Variant of Uncertain Significance.